The following is an entry in ClinVar:

ClinVar aggregate classification (germline): Uncertain significance. Review status: criteria provided, multiple submitters, no conflicts (2 of 4 stars). 2 submissions from 2 submitters: Uncertain significance (2). Last evaluated 2023-04-10.

Conditions:
Leber congenital amaurosis 13 (LCA13). Identifiers: MedGen C2675186, MONDO:0012990, OMIM 612712.

Allele frequency attached by ClinVar (database versions not stated): gnomAD exomes below 0.00001.

Submissions (2):

Labcorp Genetics (formerly Invitae), Labcorp
Classification: Uncertain significance for Leber congenital amaurosis 13. Last evaluated: 2023-04-10. Review status: criteria provided, single submitter. Criteria: Invitae Variant Classification Sherloc (09022015). Collection method: clinical testing. Allele origin: germline.
Comment: This variant has not been reported in the literature in individuals affected with RDH12-related conditions. This variant is present in population databases (no rsID available, gnomAD 0.002%). This variant, c.15_29dup, results in the insertion of 5 amino acid(s) of the RDH12 protein (p.Gly6_Ser10dup), but otherwise preserves the integrity of the reading frame. In summary, the available evidence is currently insufficient to determine the role of this variant in disease. Therefore, it has been classified as a Variant of Uncertain Significance.

Blueprint Genetics
Classification: Uncertain significance. Last evaluated: 2022-09-27. Review status: criteria provided, single submitter. Criteria: ACMG Guidelines, 2015. Collection method: clinical testing. Allele origin: germline.

NM_152443.3(RDH12):c.15_29dup (p.Ser10_Phe11insGlyLeuLeuThrSer)

Genes: GPHN (gephyrin; plus strand), RDH12 (retinol dehydrogenase 12; plus strand). Cytogenetic location: 14q24.1.
Variant type: Duplication.
Coding change: c.15_29dup on transcript NM_152443.3 (MANE Select); coding-DNA positions 15 to 29, 15 bases duplicated (GGGACTGCTCACCTC).
Protein change: p.Ser10_Phe11insGlyLeuLeuThrSer.
Molecular consequence: inframe insertion.
Genome position (GRCh38, 1-based): chr14:67,722,657-67,722,671, GGGACTGCTCACCTC duplicated. VCF-style (leftmost placement, unchanged base first): chr14-67722656-T-TGGGACTGCTCACCTC. GRCh37 (hg19) VCF-style: chr14-68189373-T-TGGGACTGCTCACCTC.
Identifiers: ClinVar variation 2854874 (VCV002854874.4), dbSNP rs1458650285, ClinGen allele CA614772605.